The following is an entry in ClinVar:

ClinVar aggregate classification (germline): Uncertain significance. Review status: criteria provided, multiple submitters, no conflicts (2 of 4 stars). 2 submissions from 2 submitters: Uncertain significance (2). Last evaluated 2025-11-06.

gnomAD v4.1: 1 of 1,613,772 alleles (0.000062%); highest among the groups gnomAD compares: Non-Finnish European, 0.000085%; no homozygotes.

Submissions (2):

Women's Health and Genetics/Laboratory Corporation of America, LabCorp
Classification: Uncertain significance. Last evaluated: 2025-11-06. Review status: criteria provided, single submitter. Criteria: LabCorp Variant Classification Summary - May 2015. Collection method: clinical testing. Allele origin: germline.
Comment: Variant summary: HPS3 c.1673T>C (p.Leu558Pro) results in a non-conservative amino acid change in the encoded protein sequence. Algorithms developed to predict the effect of missense changes on protein structure and function all suggest that this variant is likely to be disruptive. The variant was absent in 251186 control chromosomes. c.1673T>C has been observed in the homozygous state in at least 1 individual(s) affected with unclear features but a molecular diagnosis of Hermansky-Pudlak Syndrome based on phenotype (Lasseaux_2018). These data indicate that the variant may be associated with disease. To our knowledge, no experimental evidence demonstrating an impact on protein function has been reported. The following publications have been ascertained in the context of this evaluation (PMID: 29345414, 36672886, 31898847, 37647632). No submitters have cited clinical-significance assessments for this variant to ClinVar. Based on the evidence outlined above, the variant was classified as VUS-possibly pathogenic.

Labcorp Genetics (formerly Invitae), Labcorp
Classification: Uncertain significance. Last evaluated: 2025-03-19. Review status: criteria provided, single submitter. Criteria: Invitae Variant Classification Sherloc (09022015). Collection method: clinical testing. Allele origin: germline.
Comment: This sequence change replaces leucine, which is neutral and non-polar, with proline, which is neutral and non-polar, at codon 558 of the HPS3 protein (p.Leu558Pro). This variant is not present in population databases (gnomAD no frequency). This missense change has been observed in individual(s) with clinical features of Hermansky-Pudlak syndrome (PMID: 29345414). Invitae Evidence Modeling of protein sequence and biophysical properties (such as structural, functional, and spatial information, amino acid conservation, physicochemical variation, residue mobility, and thermodynamic stability) indicates that this missense variant is expected to disrupt HPS3 protein function with a positive predictive value of 80%. In summary, the available evidence is currently insufficient to determine the role of this variant in disease. Therefore, it has been classified as a Variant of Uncertain Significance.

Literature cited by the submitters: PubMed 31898847 (cited by Women's Health and Genetics/Laboratory Corporation of America, LabCorp); PubMed 29345414 (cited by Women's Health and Genetics/Laboratory Corporation of America, LabCorp and Labcorp Genetics (formerly Invitae), Labcorp); PubMed 37647632 (cited by Women's Health and Genetics/Laboratory Corporation of America, LabCorp); PubMed 36672886 (cited by Women's Health and Genetics/Laboratory Corporation of America, LabCorp).

NM_032383.5(HPS3):c.1673T>C (p.Leu558Pro)

Gene: HPS3 (HPS3 biogenesis of lysosomal organelles complex 2 subunit 1; plus strand). Cytogenetic location: 3q24.
Variant type: single nucleotide variant.
Coding change: c.1673T>C on transcript NM_032383.5 (MANE Select); coding-DNA position 1673, T replaced by C.
Protein change: p.Leu558Pro; replaces leucine 558 with proline.
Molecular consequence: missense variant.
Genome position (GRCh38, 1-based): chr3:149,157,513, T>C. VCF-style: chr3-149157513-T-C. GRCh37 (hg19) VCF-style: chr3-148875300-T-C.
Other names: c.1178T>C, p.Leu393Pro (NM_001308258.2); short protein forms L393P, L558P.
Identifiers: ClinVar variation 4536991 (VCV004536991.2).